The following is an entry in ClinVar:

ClinVar aggregate classification (germline): Pathogenic. Review status: criteria provided, multiple submitters, no conflicts (2 of 4 stars). 2 submissions from 2 submitters: Pathogenic (2). Last evaluated 2023-06-23.

Conditions:
Telangiectasia, hereditary hemorrhagic, type 2 (HHT2). Also called: ACVRL1-Related Hereditary Hemorrhagic Telangiectasia; Telangiectasia, hereditary hemorrhagic, type II. Identifiers: Orphanet 774, MedGen C1838163, MONDO:0010880, OMIM 600376. Disease mechanism: loss of function.

gnomAD v4.1: 1 of 1,610,986 alleles (0.000062%); highest among the groups gnomAD compares: Non-Finnish European, 0.000085%; no homozygotes.

Submissions (2):

Labcorp Genetics (formerly Invitae), Labcorp
Classification: Pathogenic for Telangiectasia, hereditary hemorrhagic, type 2. Last evaluated: 2023-06-23. Review status: criteria provided, single submitter. Criteria: Invitae Variant Classification Sherloc (09022015). Collection method: clinical testing. Allele origin: germline.
Comment: ClinVar contains an entry for this variant (Variation ID: 618515). This premature translational stop signal has been observed in individual(s) with hereditary hemorrhagic telangiectasia (PMID: 32503579). This variant is not present in population databases (gnomAD no frequency). This sequence change creates a premature translational stop signal (p.Tyr88*) in the ACVRL1 gene. It is expected to result in an absent or disrupted protein product. Loss-of-function variants in ACVRL1 are known to be pathogenic (PMID: 15879500). For these reasons, this variant has been classified as Pathogenic.

ARUP Laboratories, Molecular Genetics and Genomics, ARUP Laboratories
Classification: Pathogenic. Last evaluated: 2017-08-24. Review status: criteria provided, single submitter. Criteria: ARUP Molecular Germline Variant Investigation Process. Collection method: clinical testing. Allele origin: germline.

Literature cited by the submitters: PubMed 32503579 (cited by Labcorp Genetics (formerly Invitae), Labcorp); PubMed 15879500 (cited by Labcorp Genetics (formerly Invitae), Labcorp).

NM_000020.3(ACVRL1):c.264C>G (p.Tyr88Ter)

Gene: ACVRL1 (activin A receptor like type 1; plus strand). Cytogenetic location: 12q13.13.
Variant type: single nucleotide variant.
Coding change: c.264C>G on transcript NM_000020.3 (MANE Select); coding-DNA position 264, C replaced by G.
Protein change: p.Tyr88Ter; replaces tyrosine 88 with a stop codon.
Molecular consequence: nonsense.
Genome position (GRCh38, 1-based): chr12:51,913,301, C>G. VCF-style: chr12-51913301-C-G. GRCh37 (hg19) VCF-style: chr12-52307085-C-G.
Other names: c.264C>G, p.Tyr88Ter (NM_001077401.2); short protein forms Y88*.
Identifiers: ClinVar variation 618515 (VCV000618515.11), dbSNP rs775754117, ClinGen allele CA384898030.